The following is an entry in ClinVar:

NM_015122.3(FCHO1):c.824C>T (p.Ala275Val)

Gene: FCHO1 (FCH and mu domain containing endocytic adaptor 1; plus strand). Cytogenetic location: 19p13.11.
Variant type: single nucleotide variant.
Coding change: c.824C>T on transcript NM_015122.3 (MANE Select); coding-DNA position 824, C replaced by T.
Protein change: p.Ala275Val; replaces alanine 275 with valine.
Molecular consequence: missense variant. On other transcripts: non-coding transcript variant (36), intron variant (1).
Genome position (GRCh38, 1-based): chr19:17,774,272, C>T. VCF-style: chr19-17774272-C-T. GRCh37 (hg19) VCF-style: chr19-17885081-C-T.
Other names: c.824C>T, p.Ala275Val (NM_001384378.1, NM_001384379.1, NM_001384380.1 and 25 more transcripts); c.674C>T, p.Ala225Val (NM_001384384.1, NM_001384385.1, NM_001384386.1 and 3 more transcripts); c.785C>T, p.Ala262Val (NM_001384388.1, NM_001384389.1, NM_001384405.1); c.749C>T, p.Ala250Val (NM_001384390.1); c.791-122C>T (NM_001384403.1); short protein forms A225V, A250V, A275V, A262V.
Identifiers: ClinVar variation 3655632 (VCV003655632.2).

ClinVar aggregate classification (germline): Uncertain significance (1 of 4 stars; one submission).

Submission:

Labcorp Genetics (formerly Invitae), Labcorp
Classification: Uncertain significance. Last evaluated: 2025-12-15. Review status: criteria provided, single submitter. Criteria: Invitae Variant Classification Sherloc (09022015). Collection method: clinical testing. Allele origin: germline.
Comment: This sequence change replaces alanine, which is neutral and non-polar, with valine, which is neutral and non-polar, at codon 275 of the FCHO1 protein (p.Ala275Val). This variant is not present in population databases (gnomAD no frequency). This variant has not been reported in the literature in individuals affected with FCHO1-related conditions. ClinVar contains an entry for this variant (Variation ID: 3655632). An algorithm developed to predict the effect of missense changes on protein structure and function (PolyPhen-2) suggests that this variant is likely to be tolerated. In summary, the available evidence is currently insufficient to determine the role of this variant in disease. Therefore, it has been classified as a Variant of Uncertain Significance.